The following is an entry in ClinVar:

ClinVar aggregate classification (germline): Conflicting classifications of pathogenicity. Review status: criteria provided, conflicting classifications (1 of 4 stars). 17 submissions from 17 submitters: Uncertain significance (3); Benign (1); Likely benign (6). 7 of the submissions do not count toward it. Last evaluated 2026-04-01.

Conditions:
MED25-related disorder. Also called: MED25-related condition.
Congenital cataract-microcephaly-nevus flammeus simplex-severe intellectual disability syndrome. Also called: Basel-Vanagaite-Smirin-Yosef syndrome. Identifiers: Orphanet 464738, MedGen C4225323, MONDO:0014643, OMIM 616449.
Charcot-Marie-Tooth disease. Also called: Charcot-Marie-Tooth Neuropathy; Charcot-Marie-Tooth Hereditary Neuropathy. Identifiers: Orphanet 166, MedGen C0007959, MONDO:0015626.
Charcot-Marie-Tooth disease type 2. Also called: Charcot-Marie-Tooth type 2. Identifiers: Orphanet 64746, MedGen C0270914, MONDO:0018993.
Charcot-Marie-Tooth disease type 2B2 (CMT2B2). Also called: CHARCOT-MARIE-TOOTH DISEASE, AXONAL, AUTOSOMAL RECESSIVE, TYPE 2B2; CHARCOT-MARIE-TOOTH DISEASE, NEURONAL, TYPE 2B2; Charcot-Marie-Tooth Neuropathy Type 2B2; CHARCOT-MARIE-TOOTH DISEASE, AXONAL, TYPE 2B2. Identifiers: Orphanet 101101, MedGen C1854150, MONDO:0011570, OMIM 605589.
Tip-toe gait. Also called: Toe walking. Identifiers: MedGen C0427144, HP:0030051.

Allele frequency attached by ClinVar (database versions not stated): TOPMed 0.00413; gnomAD 0.00433 and 0.00443; gnomAD exomes 0.00692 and 0.00384; ExAC 0.00368; 1000 Genomes Project 0.00100; 1000 Genomes Project 30x 0.00109; ESP Exome Variant Server 0.00500.
gnomAD v4.1: 10,733 of 1,613,014 alleles (0.67%); highest among the groups gnomAD compares: Non-Finnish European, 0.83%; 44 homozygotes.

Submissions (17):

CeGaT Center for Human Genetics Tuebingen
Classification: Likely benign. Last evaluated: 2026-04-01. Review status: criteria provided, single submitter. Criteria: CeGaT Center For Human Genetics Tuebingen Variant Classification Criteria Version 2. Collection method: clinical testing. Allele origin: germline. Affected: yes. Observed: 43 variant alleles.
Comment: MED25: BS2

Women's Health and Genetics/Laboratory Corporation of America, LabCorp
Classification: Likely benign. Last evaluated: 2026-03-05. Review status: criteria provided, single submitter. Criteria: LabCorp Variant Classification Summary - May 2015. Collection method: clinical testing. Allele origin: germline.
Comment: Variant summary: MED25 c.1004C>T (p.Ala335Val) results in a non-conservative amino acid change located in the Mediator complex subunit 25 synapsin 1 (IPR021397) of the encoded protein sequence. Algorithms developed to predict the effect of missense changes on protein structure and function are either unavailable or do not agree on the potential impact of this missense change. The variant allele was found at a frequency of 0.0038 in 247818 control chromosomes in the gnomAD database, including 3 homozygotes. The observed variant frequency exceeds the estimated maximal expected allele frequency for disease-causing variants in MED25, suggesting the variant is benign. To our knowledge, no occurrence of c.1004C>T in individuals affected with MED25-related conditions and no experimental evidence demonstrating its impact on protein function have been reported. ClinVar contains an entry for this variant (Variation ID: 1324). Based on the evidence outlined above, the variant was classified as likely benign.

Labcorp Genetics (formerly Invitae), Labcorp
Classification: Likely benign for Charcot-Marie-Tooth disease type 2. Last evaluated: 2026-01-27. Review status: criteria provided, single submitter. Criteria: Invitae Variant Classification Sherloc (09022015). Collection method: clinical testing. Allele origin: germline.

ARUP Laboratories, Molecular Genetics and Genomics, ARUP Laboratories
Classification: Likely benign for Congenital cataract-microcephaly-nevus flammeus simplex-severe intellectual disability syndrome. Last evaluated: 2025-01-31. Review status: criteria provided, single submitter. Criteria: ARUP Molecular Germline Variant Investigation Process 2024. Collection method: clinical testing. Allele origin: germline.

Blueprint Genetics
Classification: Uncertain significance. Last evaluated: 2024-11-22. Review status: criteria provided, single submitter. Criteria: ACMG Guidelines, 2015. Collection method: clinical testing. Allele origin: germline.

Mendelics
Classification: Benign. Last evaluated: 2023-08-22. Review status: criteria provided, single submitter. Criteria: Mendelics Assertion Criteria 2019. Collection method: clinical testing. Allele origin: germline.

Genetic Services Laboratory, University of Chicago
Classification: Uncertain significance. Last evaluated: 2020-11-14. Review status: criteria provided, single submitter. Criteria: ACMG Guidelines, 2015. Collection method: clinical testing. Allele origin: germline. Affected: no.

Institute of Human Genetics, University of Leipzig Medical Center
Classification: Likely benign for Congenital cataract-microcephaly-nevus flammeus simplex-severe intellectual disability syndrome. Last evaluated: 2019-01-01. Review status: criteria provided, single submitter. Criteria: ACMG Guidelines, 2015. Collection method: clinical testing. Allele origin: unknown. Affected: yes.

Eurofins Ntd Llc (ga)
Classification: Uncertain significance. Last evaluated: 2018-08-15. Review status: criteria provided, single submitter. Criteria: EGL ClinVar v180209 classification definitions. Collection method: clinical testing. Allele origin: germline. Observed: 6 variant alleles, 6 heterozygotes.

Molecular Genetics Laboratory, London Health Sciences Centre
Classification: Likely benign for Charcot-Marie-Tooth disease. Review status: criteria provided, single submitter. Criteria: ACMG Guidelines, 2015. Collection method: clinical testing. Allele origin: germline. Affected: yes.

PreventionGenetics, part of Exact Sciences
Classification: Likely benign for MED25-related condition. Last evaluated: 2020-07-15. Review status: no assertion criteria provided. Collection method: clinical testing. Allele origin: germline. Not counted in ClinVar's aggregate classification.
Comment: This variant is classified as likely benign based on ACMG/AMP sequence variant interpretation guidelines (Richards et al. 2015 PMID: 25741868, with internal and published modifications).

OMIM
Classification: Uncertain significance for RECLASSIFIED - VARIANT OF UNKNOWN SIGNIFICANCE. Last evaluated: 2009-10-01. Review status: no assertion criteria provided. Collection method: literature only. Allele origin: germline. Not counted in ClinVar's aggregate classification.

ClinVar Staff, National Center for Biotechnology Information (NCBI)
No classification provided. Condition: Charcot-Marie-Tooth disease type 2B2. Review status: no classification provided. Collection method: literature only. Allele origin: unknown. Not counted in ClinVar's aggregate classification.
Comment: This SCV is no longer cited in the GeneReview (NBK1285).

Clinical Genetics DNA and cytogenetics Diagnostics Lab, Erasmus MC, Erasmus Medical Center
Classification: Likely benign. Review status: no assertion criteria provided. Collection method: clinical testing. Allele origin: germline. Affected: yes. Study: VKGL Data-share Consensus. Not counted in ClinVar's aggregate classification.

Clinical Genetics, Academic Medical Center
Classification: Likely benign. Review status: no assertion criteria provided. Collection method: clinical testing. Allele origin: germline. Affected: yes. Study: VKGL Data-share Consensus. Not counted in ClinVar's aggregate classification.

Genome Diagnostics Laboratory, University Medical Center Utrecht
Classification: Likely benign. Review status: no assertion criteria provided. Collection method: clinical testing. Allele origin: germline. Affected: yes. Study: VKGL Data-share Consensus. Not counted in ClinVar's aggregate classification.

Practice for Gait Abnormalities, David Pomarino, Competency Network Toe Walking C/o Practice Pomarino
Classification: Likely pathogenic for Tip-toe gait. Review status: no assertion criteria provided. Collection method: clinical testing. Allele origin: germline. Affected: yes. Not counted in ClinVar's aggregate classification.
Comment: Hereditary motor sensory neuropathy (HMSN), also known as Charcot-Marie-Tooth Disease (CMT), is the most commonly inherited peripheral polyneuropathy. It constitutes a group of inherited, progressive, motor and sensory peripheral nerve disorders with properties of demyelination, axonal degeneration, or both. It is classified by clinical characteristics, modes of inheritance, electrophysiologic features, metabolic defects, and specific gene markers. Our patients all walk on tiptoe, so they show similar symptoms. When we genetically test them with our toe walking panel, we find that around 90 per cent of them have a genetic variant that explains their toe walking. These can be assigned, for example, to the area of myopathies (such as variants of the COL6A3 gene), the area of hereditary neuropathies (such as variants of the KMT2C gene) or the area of metabolic diseases (such as variants of the PYGM gene). In a smaller group of patients with almost identical symptoms, no abnormality is found in the genes of our panel, but spastic paraplegia can be detected. In another small group of our toe walkers, no abnormalities can be detected in the genes analysed in our toe walking panel, nor do they suffer from spastic paraplegia, as is also the case with healthy children. In contrast to these, however, they show a tiptoe gait. These patients suffer from infantile cerebral palsy, in which toe walking can also be observed.

Literature cited by the submitters: PubMed 25488817 (cited by OMIM); PubMed 30039206 (cited by OMIM); PubMed 37091313 (cited by Practice for Gait Abnormalities, David Pomarino, Competency Network Toe Walking C/o Practice Pomarino).

NM_030973.4(MED25):c.1004C>T (p.Ala335Val)

Gene: MED25 (mediator complex subunit 25; plus strand). Cytogenetic location: 19q13.33.
Variant type: single nucleotide variant.
Coding change: c.1004C>T on transcript NM_030973.4 (MANE Select); coding-DNA position 1004, C replaced by T.
Protein change: p.Ala335Val; replaces alanine 335 with valine.
Molecular consequence: missense variant.
Genome position (GRCh38, 1-based): chr19:49,830,790, C>T. VCF-style: chr19-49830790-C-T. GRCh37 (hg19) VCF-style: chr19-50334047-C-T.
Other names: A335V; c.1004C>T, p.Ala335Val (NM_001378355.1).
Identifiers: ClinVar variation 1324 (VCV000001324.79), dbSNP rs145770066, ClinGen allele CA248234.